The following is an entry in ClinVar:

NM_001128148.3(TFRC):c.586G>A (p.Ala196Thr)

Gene: TFRC (transferrin receptor; minus strand). Cytogenetic location: 3q29.
Variant type: single nucleotide variant.
Coding change: c.586G>A on transcript NM_001128148.3 (MANE Select); coding-DNA position 586, G replaced by A.
Protein change: p.Ala196Thr; replaces alanine 196 with threonine.
Molecular consequence: missense variant. On other transcripts: 5 prime UTR variant (1).
Genome position (GRCh38, 1-based): chr3:196,071,497, C>T on the plus strand (G>A on the coding strand, the complement: TFRC is on the minus strand). VCF-style: chr3-196071497-C-T. GRCh37 (hg19) VCF-style: chr3-195798368-C-T.
Other names: c.586G>A (NM_003234.2); c.343G>A, p.Ala115Thr (NM_001313965.2); c.-261G>A (NM_001313966.2); c.586G>A, p.Ala196Thr (NM_003234.4); short protein forms A115T, A196T.
Identifiers: ClinVar variation 1969586 (VCV001969586.6), dbSNP rs780997842, ClinGen allele CA2778252.
Genomic context (GRCh38, chr3:196,071,497, plus strand): 5'-GATTCTCCACCAGGTAAACAAGTCTACCGTTCTTATCAACTATGATCACCGAGTTTTGAG[C>T]GCTGTTAAAAAGATTAAGTTAAAATAAGCCTAAGGTCATCCTTCCAAAAAACACAATAGC-3'
Protein context (NP_001121620.1, residues 186-206): HFVKIQVKDS[Ala196Thr]QNSVIIVDKN

ClinVar aggregate classification (germline): Uncertain significance. Review status: criteria provided, multiple submitters, no conflicts (2 of 4 stars). 2 submissions from 2 submitters: Uncertain significance (2). Last evaluated 2024-05-26.

Conditions:
Inborn genetic diseases. Identifiers: MedGen C0950123, MeSH D030342.

Allele frequency attached by ClinVar (database versions not stated): gnomAD 0.00003; ExAC 0.00009.
gnomAD v4.1: 25 of 1,613,644 alleles (0.0015%); highest among the groups gnomAD compares: East Asian, 0.042%; 1 homozygote.

Submissions (2):

Ambry Genetics
Classification: Uncertain significance for Inborn genetic diseases. Last evaluated: 2024-05-26. Review status: criteria provided, single submitter. Criteria: Ambry Variant Classification Scheme 2023. Collection method: clinical testing. Allele origin: germline.

Labcorp Genetics (formerly Invitae), Labcorp
Classification: Uncertain significance. Last evaluated: 2022-09-13. Review status: criteria provided, single submitter. Criteria: Invitae Variant Classification Sherloc (09022015). Collection method: clinical testing. Allele origin: germline.
Comment: This sequence change replaces alanine, which is neutral and non-polar, with threonine, which is neutral and polar, at codon 196 of the TFRC protein (p.Ala196Thr). In summary, the available evidence is currently insufficient to determine the role of this variant in disease. Therefore, it has been classified as a Variant of Uncertain Significance. Algorithms developed to predict the effect of missense changes on protein structure and function output the following: SIFT: "Tolerated"; PolyPhen-2: "Benign"; Align-GVGD: "Class C0". The threonine amino acid residue is found in multiple mammalian species, which suggests that this missense change does not adversely affect protein function. This variant has not been reported in the literature in individuals affected with TFRC-related conditions. This variant is present in population databases (rs780997842, gnomAD 0.1%), and has an allele count higher than expected for a pathogenic variant.